The following is an entry in ClinVar:

NM_052876.4(NACC1):c.94G>A (p.Val32Met)

Gene: NACC1 (nucleus accumbens associated 1; plus strand). Cytogenetic location: 19p13.13.
Variant type: single nucleotide variant.
Coding change: c.94G>A on transcript NM_052876.4 (MANE Select); coding-DNA position 94, G replaced by A.
Protein change: p.Val32Met; replaces valine 32 with methionine.
Molecular consequence: missense variant.
Genome position (GRCh38, 1-based): chr19:13,135,301, G>A. VCF-style: chr19-13135301-G-A. GRCh37 (hg19) VCF-style: chr19-13246115-G-A.
Other names: short protein forms V32M.
Identifiers: ClinVar variation 1930849 (VCV001930849.5), dbSNP rs1193115543, ClinGen allele CA404324223.

ClinVar aggregate classification (germline): Uncertain significance (1 of 4 stars; one submission).

Allele frequency attached by ClinVar (database versions not stated): gnomAD exomes below 0.00001.

Submission:

Labcorp Genetics (formerly Invitae), Labcorp
Classification: Uncertain significance. Last evaluated: 2022-03-29. Review status: criteria provided, single submitter. Criteria: Invitae Variant Classification Sherloc (09022015). Collection method: clinical testing. Allele origin: germline.
Comment: In summary, the available evidence is currently insufficient to determine the role of this variant in disease. Therefore, it has been classified as a Variant of Uncertain Significance. Algorithms developed to predict the effect of missense changes on protein structure and function are either unavailable or do not agree on the potential impact of this missense change (SIFT: "Deleterious"; PolyPhen-2: "Probably Damaging"; Align-GVGD: "Class C15"). This variant has not been reported in the literature in individuals affected with NACC1-related conditions. This variant is present in population databases (no rsID available, gnomAD 0.0009%). This sequence change replaces valine, which is neutral and non-polar, with methionine, which is neutral and non-polar, at codon 32 of the NACC1 protein (p.Val32Met).